The following is an entry in ClinVar:

ClinVar aggregate classification (germline): Likely benign. Review status: criteria provided, multiple submitters, no conflicts (2 of 4 stars). 6 submissions from 5 submitters: Likely benign (5). 1 of the submissions does not count toward it. Last evaluated 2023-02-08.

Conditions:
Dilated cardiomyopathy 1L (CMD1L). Identifiers: Orphanet 154, MedGen C1847667, MONDO:0011702, OMIM 606685.
Autosomal recessive limb-girdle muscular dystrophy type 2F (LGMDR6). Also called: MUSCULAR DYSTROPHY, LIMB-GIRDLE, AUTOSOMAL RECESSIVE 6; Muscular dystrophy limb-girdle with delta-sarcoglyan deficiency. Identifiers: Orphanet 219, MedGen C1832525, MONDO:0011028, OMIM 601287. Disease mechanism: Affects gamma-sarcoglycan and also disrupts the integrity of the entire sarcoglycan complex..
Qualitative or quantitative defects of delta-sarcoglycan. Identifiers: Orphanet 207070, MedGen C5680806, MONDO:0016144.

Allele frequency attached by ClinVar (database versions not stated): 1000 Genomes Project 0.00060; TOPMed 0.00032; 1000 Genomes Project 30x 0.00094; gnomAD exomes 0.00510; gnomAD 0.00016 and 0.00021.
gnomAD v4.1: 33 of 152,556 alleles (0.022%); highest among the groups gnomAD compares: East Asian, 0.6%; 1 homozygote.

Submissions (6):

Genome-Nilou Lab
Classification: Likely benign for Autosomal recessive limb-girdle muscular dystrophy type 2F. Last evaluated: 2023-02-08. Review status: criteria provided, single submitter. Criteria: ACMG Guidelines, 2015. Collection method: clinical testing. Allele origin: germline.

Genome-Nilou Lab
Classification: Likely benign for Dilated cardiomyopathy 1L. Last evaluated: 2023-02-08. Review status: criteria provided, single submitter. Criteria: ACMG Guidelines, 2015. Collection method: clinical testing. Allele origin: germline.

Fulgent Genetics
Classification: Likely benign for Autosomal recessive limb-girdle muscular dystrophy type 2F; Dilated cardiomyopathy 1L. Last evaluated: 2021-12-03. Review status: criteria provided, single submitter. Criteria: ACMG Guidelines, 2015. Collection method: clinical testing. Allele origin: unknown.

Illumina Laboratory Services, Illumina
Classification: Likely benign for Qualitative or quantitative defects of delta-sarcoglycan. Last evaluated: 2018-01-13. Review status: criteria provided, single submitter. Criteria: ICSL Variant Classification Criteria 13 December 2019. Collection method: clinical testing. Allele origin: germline.
Comment: This variant was observed in the ICSL laboratory as part of a predisposition screen in an ostensibly healthy population. It had not been previously curated by ICSL or reported in the Human Gene Mutation Database (HGMD: prior to June 1st, 2018), and was therefore a candidate for classification through an automated scoring system. Utilizing variant allele frequency, disease prevalence and penetrance estimates, and inheritance mode, an automated score was calculated to assess if this variant is too frequent to cause the disease. Based on the score and internal cut-off values, a variant classified as likely benign is not then subjected to further curation. The score for this variant resulted in a classification of likely benign for this disease.

Breakthrough Genomics
Classification: Likely benign. Review status: criteria provided, single submitter. Criteria: ACMG Guidelines, 2015. Collection method: not provided. Allele origin: germline. Inheritance: Autosomal recessive inheritance. Affected: yes.

Laboratory for Molecular Medicine, Mass General Brigham Personalized Medicine
No classification provided. Last evaluated: 2013-12-05. Review status: no classification provided. Collection method: clinical testing. Allele origin: germline. Observed: 1 variant allele. Not counted in ClinVar's aggregate classification.

NM_000337.6(SGCD):c.-404G>A

Gene: SGCD (sarcoglycan delta; plus strand). Cytogenetic location: 5q33.3.
Variant type: single nucleotide variant.
Coding change: c.-404G>A on transcript NM_000337.6 (MANE Select); 404 bases upstream of the start codon, G replaced by A.
Molecular consequence: genic upstream transcript variant.
Genome position (GRCh38, 1-based): chr5:156,326,872, G>A. VCF-style: chr5-156326872-G-A. GRCh37 (hg19) VCF-style: chr5-155753882-G-A.
Other names: c.-404G>A (NM_000337.5).
Identifiers: ClinVar variation 165220 (VCV000165220.13), dbSNP rs192662989, ClinGen allele CA177972.